The following is an entry in ClinVar:

ClinVar aggregate classification (germline): Pathogenic (1 of 4 stars; one submission).

Submission:

Labcorp Genetics (formerly Invitae), Labcorp
Classification: Pathogenic. Last evaluated: 2024-08-13. Review status: criteria provided, single submitter. Criteria: Invitae Variant Classification Sherloc (09022015). Collection method: clinical testing. Allele origin: germline.
Comment: This sequence change creates a premature translational stop signal (p.Asp690Valfs*27) in the OBSL1 gene. It is expected to result in an absent or disrupted protein product. Loss-of-function variants in OBSL1 are known to be pathogenic (PMID: 19481195, 19877176). This variant is present in population databases (rs751216661, gnomAD 0.003%). This variant has not been reported in the literature in individuals affected with OBSL1-related conditions. For these reasons, this variant has been classified as Pathogenic.

Literature cited by the submitters: PubMed 19481195; PubMed 19877176.

NM_015311.3(OBSL1):c.2069_2075del (p.Asp690fs)

Gene: OBSL1 (obscurin like cytoskeletal adaptor 1; minus strand). Cytogenetic location: 2q35.
Variant type: Deletion.
Coding change: c.2069_2075del on transcript NM_015311.3 (MANE Select); coding-DNA positions 2069 to 2075, 7 bases deleted (ACAGCGG; older notation c.2069_2075delACAGCGG).
Protein change: p.Asp690fs; shifts the reading frame from aspartic acid 690.
Molecular consequence: frameshift variant.
Genome position (GRCh38, 1-based): chr2:219,566,889-219,566,895, CCGCTGT deleted on the plus strand (ACAGCGG on the coding strand, the reverse complement: OBSL1 is on the minus strand); deleting any 7 consecutive bases within chr2:219,566,889-219,566,897 gives the same sequence; the c. name uses the placement nearest the transcript's 3' end. VCF-style (leftmost placement, unchanged base first): chr2-219566888-ACCGCTGT-A. GRCh37 (hg19) VCF-style: chr2-220431610-ACCGCTGT-A.
Other names: c.2069_2075del, p.Asp690fs (NM_001173408.2, NM_001173431.2); short protein forms D690fs.
Identifiers: ClinVar variation 3660984 (VCV003660984.2).
Genomic context (GRCh38, chr2:219,566,888, plus strand): 5'-ACCTTGGATTGTGAGGGCAGCTGAGTCCTGCACGCCGGGGCAGCTGAAGCCGACCAGGGC[ACCGCTGT>A]CCTGGTGCTTGACGGCATGCAGGATGAGTCTGTGCTGCAGACCCTTCTGCTCTATACGGT-3'